The following is an entry in ClinVar:

NM_001267550.2(TTN):c.70759G>C (p.Gly23587Arg)

Genes: TTN (titin; minus strand), TTN-AS1 (TTN antisense RNA 1; plus strand). Cytogenetic location: 2q31.2.
Variant type: single nucleotide variant.
Coding change: c.70759G>C on transcript NM_001267550.2 (MANE Select); coding-DNA position 70759, G replaced by C.
Protein change: p.Gly23587Arg; replaces glycine 23587 with arginine.
Molecular consequence: missense variant.
Genome position (GRCh38, 1-based): chr2:178,575,373, C>G on the plus strand (G>C on the coding strand, the complement: TTN is on the minus strand). VCF-style: chr2-178575373-C-G. GRCh37 (hg19) VCF-style: chr2-179440100-C-G.
Other names: c.65836G>C, p.Gly21946Arg (NM_001256850.1); c.43564G>C, p.Gly14522Arg (NM_003319.4); c.63055G>C, p.Gly21019Arg (NM_133378.4); c.43939G>C, p.Gly14647Arg (NM_133432.3); c.44140G>C, p.Gly14714Arg (NM_133437.4); short protein forms G14522R, G14647R, G14714R, G21019R, G21946R, G23587R.
Identifiers: ClinVar variation 1879500 (VCV001879500.29), dbSNP rs2468674722, ClinGen allele CA349661372.

ClinVar aggregate classification (germline): Uncertain significance. Review status: criteria provided, multiple submitters, no conflicts (2 of 4 stars). 2 submissions from 2 submitters: Uncertain significance (2). Last evaluated 2025-03-04.

Allele frequency attached by ClinVar (database versions not stated): gnomAD exomes below 0.00001.
gnomAD v4.1: 4 of 1,613,588 alleles (0.00025%); highest among the groups gnomAD compares: Non-Finnish European, 0.00034%; no homozygotes.

Submissions (2):

GeneDx
Classification: Uncertain significance. Last evaluated: 2025-03-04. Review status: criteria provided, single submitter. Criteria: GeneDx Variant Classification Process June 2021. Collection method: clinical testing. Allele origin: germline. Affected: yes.
Comment: Not observed at significant frequency in large population cohorts (gnomAD); Missense variant in a gene in which most reported pathogenic variants are truncating/loss of function; Has not been previously published as pathogenic or benign to our knowledge

CeGaT Center for Human Genetics Tuebingen
Classification: Uncertain significance. Last evaluated: 2022-11-01. Review status: criteria provided, single submitter. Criteria: CeGaT Center For Human Genetics Tuebingen Variant Classification Criteria Version 2. Collection method: clinical testing. Allele origin: germline. Affected: yes. Observed: 1 variant allele.
Comment: TTN: PM2